The following is an entry in ClinVar:

ClinVar aggregate classification (germline): Uncertain significance (1 of 4 stars; one submission).

Conditions:
Early-infantile DEE. Also called: Ohtahara syndrome; Early infantile epileptic encephalopathy with suppression bursts; Early infantile epileptic encephalopathy. Identifiers: Orphanet 1934, MedGen C0393706, MONDO:0800491.

Submission:

Labcorp Genetics (formerly Invitae), Labcorp
Classification: Uncertain significance for Early-infantile DEE. Last evaluated: 2024-05-21. Review status: criteria provided, single submitter. Criteria: Invitae Variant Classification Sherloc (09022015). Collection method: clinical testing. Allele origin: germline.
Comment: This sequence change falls in intron 20 of the SCN1A gene. It does not directly change the encoded amino acid sequence of the SCN1A protein. However, this sequence change falls within a region encompassing a cryptic exon in the SCN1A gene, in which variants have been shown to alter splicing (PMID: 30526861, 34107977). This variant is not present in population databases (gnomAD no frequency). This variant has not been reported in the literature in individuals affected with SCN1A-related conditions. Algorithms developed to predict the effect of sequence changes on RNA splicing suggest that this variant is not likely to affect RNA splicing. In summary, the available evidence is currently insufficient to determine the role of this variant in disease. Therefore, it has been classified as a Variant of Uncertain Significance.

Literature cited by the submitters: PubMed 30526861; PubMed 34107977.

NM_001165963.4(SCN1A):c.4002+2472C>T

Genes: SCN1A (sodium voltage-gated channel alpha subunit 1; minus strand), LOC102724058 (uncharacterized LOC102724058; plus strand). Cytogenetic location: 2q24.3.
Variant type: single nucleotide variant.
Coding change: c.4002+2472C>T on transcript NM_001165963.4 (MANE Select); 2472 bases into the intron after coding-DNA position 4002, C replaced by T.
Molecular consequence: intron variant. On other transcripts: non-coding transcript variant (1).
Genome position (GRCh38, 1-based): chr2:166,007,247, G>A on the plus strand (C>T on the coding strand, the complement: SCN1A is on the minus strand). VCF-style: chr2-166007247-G-A. GRCh37 (hg19) VCF-style: chr2-166863757-G-A.
Other names: c.3969+2472C>T (NM_001353949.2, NM_001353950.2, NM_001353951.2 and 2 more transcripts); c.3918+2472C>T (NM_001353958.2, NM_001353957.2, NM_001165964.3); c.4002+2472C>T (NM_001202435.3, NM_001353948.2); c.3966+2472C>T (NM_001353955.2, NM_001353954.2); c.3915+2472C>T (NM_001353960.2); c.1560+2472C>T (NM_001353961.2).
Identifiers: ClinVar variation 3689453 (VCV003689453.2).